The following is an entry in ClinVar:

NM_014314.4(RIGI):c.497A>G (p.Asn166Ser)

Gene: RIGI (RNA sensor RIG-I; minus strand). Cytogenetic location: 9p21.1.
Variant type: single nucleotide variant.
Coding change: c.497A>G on transcript NM_014314.4 (MANE Select); coding-DNA position 497, A replaced by G.
Protein change: p.Asn166Ser; replaces asparagine 166 with serine.
Molecular consequence: missense variant. On other transcripts: intron variant (1).
Genome position (GRCh38, 1-based): chr9:32,492,465, T>C on the plus strand (A>G on the coding strand, the complement: RIGI is on the minus strand). VCF-style: chr9-32492465-T-C. GRCh37 (hg19) VCF-style: chr9-32492463-T-C.
Other names: c.497A>G, p.Asn166Ser (NM_001385907.1, NM_001385909.1); c.56A>G, p.Asn19Ser (NM_001385910.1, NM_001385914.1); c.482A>G, p.Asn161Ser (NM_001385913.1); c.-38-1045A>G (NM_001385912.1); short protein forms N161S, N19S, N166S.
Identifiers: ClinVar variation 2834334 (VCV002834334.3), dbSNP rs2489338902, ClinGen allele CA373163442.

ClinVar aggregate classification (germline): Uncertain significance (1 of 4 stars; one submission).

Allele frequency attached by ClinVar (database versions not stated): gnomAD exomes below 0.00001.
gnomAD v4.1: 2 of 1,614,180 alleles (0.00012%); highest among the groups gnomAD compares: Non-Finnish European, 0.00017%; no homozygotes.

Submission:

Labcorp Genetics (formerly Invitae), Labcorp
Classification: Uncertain significance. Last evaluated: 2023-11-25. Review status: criteria provided, single submitter. Criteria: Invitae Variant Classification Sherloc (09022015). Collection method: clinical testing. Allele origin: germline.
Comment: This sequence change replaces asparagine, which is neutral and polar, with serine, which is neutral and polar, at codon 166 of the DDX58 protein (p.Asn166Ser). This variant is not present in population databases (gnomAD no frequency). This variant has not been reported in the literature in individuals affected with DDX58-related conditions. Algorithms developed to predict the effect of missense changes on protein structure and function output the following: SIFT: "Not Available"; PolyPhen-2: "Benign"; Align-GVGD: "Not Available". The serine amino acid residue is found in multiple mammalian species, which suggests that this missense change does not adversely affect protein function. In summary, the available evidence is currently insufficient to determine the role of this variant in disease. Therefore, it has been classified as a Variant of Uncertain Significance.